The following is an entry in ClinVar:

ClinVar aggregate classification (germline): Uncertain significance. Review status: criteria provided, multiple submitters, no conflicts (2 of 4 stars). 2 submissions from 2 submitters: Uncertain significance (2). Last evaluated 2024-09-19.

Allele frequency attached by ClinVar (database versions not stated): TOPMed 0.00001.
gnomAD v4.1: 6 of 1,614,064 alleles (0.00037%); highest among the groups gnomAD compares: Admixed American, 0.0017%; no homozygotes.

Submissions (2):

Blueprint Genetics
Classification: Uncertain significance. Last evaluated: 2024-09-19. Review status: criteria provided, single submitter. Criteria: ACMG Guidelines, 2015. Collection method: clinical testing. Allele origin: germline.

GeneDx
Classification: Uncertain significance. Last evaluated: 2017-04-06. Review status: criteria provided, single submitter. Criteria: GeneDx Variant Classification (06012015). Collection method: clinical testing. Allele origin: germline. Affected: yes.
Comment: A variant of uncertain significance has been identified in the KCNJ10 gene. The V336M variant has not been published as a pathogenic variant, nor has it been reported as a benign variant to our knowledge. The V336M variant is not observed in large population cohorts (Lek et al., 2016; 1000 Genomes Consortium et al., 2015; Exome Variant Server). This substitution occurs at a position that is conserved across species. However, the V336M variant is a conservative amino acid substitution, which is not likely to impact secondary protein structure as these residues share similar properties. In silico analysis is inconsistent in its predictions as to whether or not the variant is damaging to the protein structure/function. Therefore, based on the currently available information, it is unclear whether this variant is a pathogenic variant or a rare benign variant.

NM_002241.5(KCNJ10):c.1006G>A (p.Val336Met)

Gene: KCNJ10 (potassium inwardly rectifying channel subfamily J member 10; minus strand). Cytogenetic location: 1q23.2.
Variant type: single nucleotide variant.
Coding change: c.1006G>A on transcript NM_002241.5 (MANE Select); coding-DNA position 1006, G replaced by A.
Protein change: p.Val336Met; replaces valine 336 with methionine.
Molecular consequence: missense variant.
Genome position (GRCh38, 1-based): chr1:160,041,527, C>T on the plus strand (G>A on the coding strand, the complement: KCNJ10 is on the minus strand). VCF-style: chr1-160041527-C-T. GRCh37 (hg19) VCF-style: chr1-160011317-C-T.
Other names: short protein forms V336M.
Identifiers: ClinVar variation 426726 (VCV000426726.3), dbSNP rs1085307763, ClinGen allele CA343222756.